The following is an entry in ClinVar:

ClinVar aggregate classification (germline): Likely benign. Review status: reviewed by expert panel (3 of 4 stars). 3 submissions from 3 submitters: Likely benign (1). 2 of the submissions do not count toward it. Last evaluated 2017-06-29.

Conditions:
Hereditary cancer-predisposing syndrome. Also called: Hereditary Cancer Syndrome; Hereditary neoplastic syndrome; Tumor predisposition; Neoplastic Syndromes, Hereditary. Identifiers: Orphanet 140162, MedGen C0027672, MeSH D009386, MONDO:0015356.
Hereditary breast ovarian cancer syndrome. Also called: Hereditary breast and ovarian cancer syndrome; Hereditary breast and ovarian cancer syndrome (HBOC); BRCA1- and BRCA2-Associated Hereditary Breast and Ovarian Cancer; Breast and ovarian cancer; Hereditary breast and ovarian cancer; Hereditary breast and/or ovarian cancer syndrome. Identifiers: Orphanet 145, MedGen C0677776, MeSH D061325, MONDO:0003582. Disease mechanism: loss of function.
Breast-ovarian cancer, familial, susceptibility to, 1 (BROVCA1). Also called: OVARIAN CANCER, SUSCEPTIBILITY TO; BRCA1 Hereditary Breast and Ovarian Cancer. Identifiers: Orphanet 145, MedGen C2676676, MONDO:0011450, OMIM 604370. Disease mechanism: loss of function.

Allele frequency attached by ClinVar (database versions not stated): gnomAD exomes below 0.00001; ExAC 0.00001.

Submissions (3):

Evidence-based Network for the Interpretation of Germline Mutant Alleles (ENIGMA)
Classification: Likely benign for Breast-ovarian cancer, familial, susceptibility to, 1. Last evaluated: 2017-06-29. Review status: reviewed by expert panel. Criteria: ENIGMA BRCA1/2 Classification Criteria (2017-06-29). Collection method: curation. Allele origin: germline.
Comment: Synonymous substitution variant, with low bioinformatic likelihood to result in a splicing aberration (Splicing prior probability 0.02).

Labcorp Genetics (formerly Invitae), Labcorp
Classification: Likely benign for Hereditary breast ovarian cancer syndrome. Last evaluated: 2024-06-18. Review status: criteria provided, single submitter. Criteria: Invitae Variant Classification Sherloc (09022015). Collection method: clinical testing. Allele origin: germline. Not counted in ClinVar's aggregate classification.

Ambry Genetics
Classification: Likely benign for Hereditary cancer-predisposing syndrome. Last evaluated: 2014-12-01. Review status: criteria provided, single submitter. Criteria: Ambry Variant Classification Scheme 2023. Collection method: clinical testing. Allele origin: germline. Not counted in ClinVar's aggregate classification.

NM_007294.4(BRCA1):c.652T>C (p.Leu218=)

Gene: BRCA1 (BRCA1 DNA repair associated; minus strand). Cytogenetic location: 17q21.31.
Variant type: single nucleotide variant.
Coding change: c.652T>C on transcript NM_007294.4 (MANE Select); coding-DNA position 652, T replaced by C.
Protein change: p.Leu218=; no amino-acid change (leucine 218 retained).
Molecular consequence: synonymous variant. On other transcripts: intron variant (115).
Genome position (GRCh38, 1-based): chr17:43,095,864, A>G on the plus strand (T>C on the coding strand, the complement: BRCA1 is on the minus strand). VCF-style: chr17-43095864-A-G. GRCh37 (hg19) VCF-style: chr17-41247881-A-G.
Other names: c.508T>C, p.Leu170= (NM_001408468.1, NM_001408470.1, NM_001407740.1 and 26 more transcripts); c.511T>C, p.Leu171= (NM_001408469.1, NM_007297.4, NM_001407692.1 and 43 more transcripts); c.652T>C, p.Leu218= (NM_001408472.1, NM_007298.4, NM_007299.4 and 59 more transcripts); c.649T>C, p.Leu217= (NM_001408473.1, NM_001407587.1, NM_001407590.1 and 41 more transcripts); c.442T>C, p.Leu148= (NM_001408478.1, NM_001408479.1, NM_001408480.1 and 27 more transcripts); c.439T>C, p.Leu147= (NM_001408490.1, NM_001408491.1, NM_001408493.1 and 12 more transcripts); c.271T>C, p.Leu91= (NM_001408510.1, NM_001407959.1, NM_001407960.1 and 1 more transcripts); c.-218-1004T>C (NM_001407967.1, NM_001407966.1); and 17 more.
Identifiers: ClinVar variation 186042 (VCV000186042.19), dbSNP rs765950064, ClinGen allele CA003775.